The following is an entry in ClinVar:

NM_000228.3(LAMB3):c.1288+1G>A

Gene: LAMB3 (laminin subunit beta 3; minus strand). Cytogenetic location: 1q32.2.
Variant type: single nucleotide variant.
Coding change: c.1288+1G>A on transcript NM_000228.3 (MANE Select); the canonical splice donor site of the intron after coding-DNA position 1288, G replaced by A.
Molecular consequence: splice donor variant.
Genome position (GRCh38, 1-based): chr1:209,628,034, C>T on the plus strand (G>A on the coding strand, the complement: LAMB3 is on the minus strand). VCF-style: chr1-209628034-C-T. GRCh37 (hg19) VCF-style: chr1-209801379-C-T.
Other names: c.1288+1G>A (NM_001127641.1, NM_001017402.2).
Identifiers: ClinVar variation 554569 (VCV000554569.8), dbSNP rs1186161867, ClinGen allele CA344591389.

ClinVar aggregate classification (germline): Pathogenic. Review status: criteria provided, single submitter (1 of 4 stars). 2 submissions from 2 submitters: Pathogenic (1). 1 of the submissions does not count toward it. Last evaluated 2022-02-01.

Conditions:
Junctional epidermolysis bullosa gravis of Herlitz. Also called: EPIDERMOLYSIS BULLOSA, JUNCTIONAL 1B, SEVERE; Epidermolysis Bullosa Letalis; EPIDERMOLYSIS BULLOSA JUNCTIONALIS, HERLITZ TYPE; EPIDERMOLYSIS BULLOSA, JUNCTIONAL, HERLITZ-PEARSON TYPE; JEB-HERLITZ TYPE; Herlitz-type junctional epidermolysis bullosa. Identifiers: Orphanet 79404, MedGen C0079683, MONDO:0009182, OMIM 226700.

Allele frequency attached by ClinVar (database versions not stated): TOPMed 0.00002.
gnomAD v4.1: 6 of 1,601,746 alleles (0.00037%); highest among the groups gnomAD compares: Non-Finnish European, 0.00034%; no homozygotes.

Submissions (2):

Labcorp Genetics (formerly Invitae), Labcorp
Classification: Pathogenic. Last evaluated: 2022-02-01. Review status: criteria provided, single submitter. Criteria: Invitae Variant Classification Sherloc (09022015). Collection method: clinical testing. Allele origin: germline.
Comment: For these reasons, this variant has been classified as Pathogenic. Algorithms developed to predict the effect of sequence changes on RNA splicing suggest that this variant may disrupt the consensus splice site. ClinVar contains an entry for this variant (Variation ID: 554569). Disruption of this splice site has been observed in individual(s) with junctional epidermolysis bullosa (PMID: 25708563). In at least one individual the data is consistent with being in trans (on the opposite chromosome) from a pathogenic variant. This variant is not present in population databases (gnomAD no frequency). This sequence change affects a donor splice site in intron 11 of the LAMB3 gene. It is expected to disrupt RNA splicing. Variants that disrupt the donor or acceptor splice site typically lead to a loss of protein function (PMID: 16199547), and loss-of-function variants in LAMB3 are known to be pathogenic (PMID: 11023379, 16473856).

Counsyl
Classification: Likely pathogenic for Junctional epidermolysis bullosa gravis of Herlitz. Last evaluated: 2017-10-25. Review status: no assertion criteria provided. Collection method: clinical testing. Allele origin: unknown. Not counted in ClinVar's aggregate classification.

Literature cited by the submitters: PubMed 25708563 (cited by Labcorp Genetics (formerly Invitae), Labcorp); PubMed 16199547 (cited by Labcorp Genetics (formerly Invitae), Labcorp); PubMed 11023379 (cited by Labcorp Genetics (formerly Invitae), Labcorp); PubMed 16473856 (cited by Labcorp Genetics (formerly Invitae), Labcorp).